The following is an entry in ClinVar:

ClinVar aggregate classification (germline): Uncertain significance (1 of 4 stars; one submission).

Submission:

Labcorp Genetics (formerly Invitae), Labcorp
Classification: Uncertain significance. Last evaluated: 2024-05-16. Review status: criteria provided, single submitter. Criteria: Invitae Variant Classification Sherloc (09022015). Collection method: clinical testing. Allele origin: germline.
Comment: This sequence change replaces threonine, which is neutral and polar, with isoleucine, which is neutral and non-polar, at codon 504 of the SON protein (p.Thr504Ile). This variant is not present in population databases (gnomAD no frequency). This variant has not been reported in the literature in individuals affected with SON-related conditions. An algorithm developed to predict the effect of missense changes on protein structure and function (PolyPhen-2) suggests that this variant is likely to be disruptive. In summary, the available evidence is currently insufficient to determine the role of this variant in disease. Therefore, it has been classified as a Variant of Uncertain Significance.

NM_138927.4(SON):c.1511C>T (p.Thr504Ile)

Gene: SON (SON DNA and RNA binding protein; plus strand). Cytogenetic location: 21q22.11.
Variant type: single nucleotide variant.
Coding change: c.1511C>T on transcript NM_138927.4 (MANE Select); coding-DNA position 1511, C replaced by T.
Protein change: p.Thr504Ile; replaces threonine 504 with isoleucine.
Molecular consequence: missense variant. On other transcripts: non-coding transcript variant (1), intron variant (1).
Genome position (GRCh38, 1-based): chr21:33,550,742, C>T. VCF-style: chr21-33550742-C-T. GRCh37 (hg19) VCF-style: chr21-34923048-C-T.
Other names: c.1511C>T, p.Thr504Ile (NM_001291411.2, NM_032195.3); c.244+4363C>T (NM_001291412.3); short protein forms T504I.
Identifiers: ClinVar variation 3653593 (VCV003653593.2).
Genomic context (GRCh38, chr21:33,550,742, plus strand): 5'-TGGTGACAGCAGCAGTAGAGTTGCCAGAGCAGCCTGCGGTAACAGTAGCAATGGAGTTGA[C>T]CGAACAACCTGTGACGACGACAGAGTTGGAGCAGCCTGTGGGGATGACAACGGTGGAACA-3'
Protein context (NP_620305.3, residues 494-514): QPAVTVAMEL[Thr504Ile]EQPVTTTELE